The following is an entry in ClinVar:

NM_000260.4(MYO7A):c.1916A>G (p.Asn639Ser)

Gene: MYO7A (myosin VIIA; plus strand). Cytogenetic location: 11q13.5.
Variant type: single nucleotide variant.
Coding change: c.1916A>G on transcript NM_000260.4 (MANE Select); coding-DNA position 1916, A replaced by G.
Protein change: p.Asn639Ser; replaces asparagine 639 with serine.
Molecular consequence: missense variant.
Genome position (GRCh38, 1-based): chr11:77,172,866, A>G. VCF-style: chr11-77172866-A-G. GRCh37 (hg19) VCF-style: chr11-76883912-A-G.
Other names: c.1916A>G, p.Asn639Ser (NM_001127180.2); c.1883A>G, p.Asn628Ser (NM_001369365.1); short protein forms N639S, N628S.
Identifiers: ClinVar variation 860458 (VCV000860458.8), dbSNP rs376811825, ClinGen allele CA6197636.

ClinVar aggregate classification (germline): Uncertain significance. Review status: criteria provided, multiple submitters, no conflicts (2 of 4 stars). 4 submissions from 4 submitters: Uncertain significance (3). 1 of the submissions does not count toward it. Last evaluated 2026-07-20.

Conditions:
MYO7A-related disorder. Also called: MYO7A-related disorders.
Usher syndrome type 1B (USH1B). Also called: Usher syndrome type IB. Identifiers: MedGen C1848638, MONDO:0700087.

Allele frequency attached by ClinVar (database versions not stated): gnomAD 0.00007; ESP Exome Variant Server 0.00008; gnomAD exomes 0.00009 and 0.00006; ExAC 0.00005; TOPMed 0.00005.
gnomAD v4.1: 133 of 1,551,968 alleles (0.0086%); highest among the groups gnomAD compares: Non-Finnish European, 0.011%; no homozygotes.

Submissions (4):

PreventionGenetics, part of Exact Sciences
Classification: Uncertain significance for MYO7A-related condition. Last evaluated: 2026-07-20. Review status: criteria provided, single submitter. Criteria: ACMG Guidelines, 2015. Collection method: clinical testing. Allele origin: germline.
Comment: The MYO7A c.1916A>G variant is predicted to result in the amino acid substitution p.Asn639Ser. To our knowledge, this variant has not been reported in the literature. This variant is reported in 0.013% of alleles in individuals of European (Non-Finnish) descent in gnomAD. At this time, the clinical significance of this variant is uncertain due to the absence of conclusive functional and genetic evidence.

Labcorp Genetics (formerly Invitae), Labcorp
Classification: Uncertain significance. Last evaluated: 2026-01-16. Review status: criteria provided, single submitter. Criteria: Invitae Variant Classification Sherloc (09022015). Collection method: clinical testing. Allele origin: germline.
Comment: This sequence change replaces asparagine, which is neutral and polar, with serine, which is neutral and polar, at codon 639 of the MYO7A protein (p.Asn639Ser). This variant is present in population databases (rs376811825, gnomAD 0.02%). This variant has not been reported in the literature in individuals affected with MYO7A-related conditions. ClinVar contains an entry for this variant (Variation ID: 860458). Invitae Evidence Modeling of protein sequence and biophysical properties (such as structural, functional, and spatial information, amino acid conservation, physicochemical variation, residue mobility, and thermodynamic stability) indicates that this missense variant is expected to disrupt MYO7A protein function with a positive predictive value of 95%. In summary, the available evidence is currently insufficient to determine the role of this variant in disease. Therefore, it has been classified as a Variant of Uncertain Significance.

Blueprint Genetics
Classification: Uncertain significance. Last evaluated: 2024-09-11. Review status: criteria provided, single submitter. Criteria: ACMG Guidelines, 2015. Collection method: clinical testing. Allele origin: germline.

Natera, Inc.
Classification: Uncertain significance for Usher syndrome type 1B. Last evaluated: 2020-03-05. Review status: no assertion criteria provided. Collection method: clinical testing. Allele origin: germline. Not counted in ClinVar's aggregate classification.